The following is an entry in ClinVar:

ClinVar aggregate classification (germline): Uncertain significance. Review status: criteria provided, multiple submitters, no conflicts (2 of 4 stars). 2 submissions from 2 submitters: Uncertain significance (2). Last evaluated 2025-06-28.

Conditions:
Inborn genetic diseases. Identifiers: MedGen C0950123, MeSH D030342.

Allele frequency attached by ClinVar (database versions not stated): gnomAD 0.00001; 1000 Genomes Project 30x 0.00016; TOPMed 0.00001; 1000 Genomes Project 0.00020; ExAC 0.00004.
gnomAD v4.1: 10 of 1,614,030 alleles (0.00062%); highest among the groups gnomAD compares: East Asian, 0.02%; no homozygotes.

Submissions (2):

Ambry Genetics
Classification: Uncertain significance for Inborn genetic diseases. Last evaluated: 2025-06-28. Review status: criteria provided, single submitter. Criteria: Ambry Variant Classification Scheme 2023. Collection method: clinical testing. Allele origin: germline.
Comment: The p.D659G variant (also known as c.1976A>G), located in coding exon 18 of the ANKRD26 gene, results from an A to G substitution at nucleotide position 1976. The aspartic acid at codon 659 is replaced by glycine, an amino acid with similar properties. This amino acid position is conserved. In addition, this alteration is predicted to be tolerated by in silico analysis. Based on the available evidence, the clinical significance of this variant remains unclear.

Labcorp Genetics (formerly Invitae), Labcorp
Classification: Uncertain significance. Last evaluated: 2025-04-14. Review status: criteria provided, single submitter. Criteria: Invitae Variant Classification Sherloc (09022015). Collection method: clinical testing. Allele origin: germline.
Comment: This sequence change replaces aspartic acid, which is acidic and polar, with glycine, which is neutral and non-polar, at codon 659 of the ANKRD26 protein (p.Asp659Gly). This variant is present in population databases (rs117199516, gnomAD 0.04%). This variant has not been reported in the literature in individuals affected with ANKRD26-related conditions. ClinVar contains an entry for this variant (Variation ID: 2899610). An algorithm developed to predict the effect of missense changes on protein structure and function outputs the following: PolyPhen-2: "Benign". The glycine amino acid residue is found in multiple mammalian species, which suggests that this missense change does not adversely affect protein function. In summary, the available evidence is currently insufficient to determine the role of this variant in disease. Therefore, it has been classified as a Variant of Uncertain Significance.

NM_014915.3(ANKRD26):c.1976A>G (p.Asp659Gly)

Gene: ANKRD26 (ankyrin repeat domain 26; minus strand). Cytogenetic location: 10p12.1.
Variant type: single nucleotide variant.
Coding change: c.1976A>G on transcript NM_014915.3 (MANE Select); coding-DNA position 1976, A replaced by G.
Protein change: p.Asp659Gly; replaces aspartic acid 659 with glycine.
Molecular consequence: missense variant.
Genome position (GRCh38, 1-based): chr10:27,046,362, T>C on the plus strand (A>G on the coding strand, the complement: ANKRD26 is on the minus strand). VCF-style: chr10-27046362-T-C. GRCh37 (hg19) VCF-style: chr10-27335291-T-C.
Other names: c.1973A>G, p.Asp658Gly (NM_001256053.2); short protein forms D658G, D659G.
Identifiers: ClinVar variation 2899610 (VCV002899610.4), dbSNP rs117199516, ClinGen allele CA5448361.